The following is an entry in ClinVar:

NM_001085377.2(MCC):c.1902G>A (p.Ala634=)

Gene: MCC (MCC regulator of Wnt signaling pathway; minus strand). Cytogenetic location: 5q22.2.
Variant type: single nucleotide variant.
Coding change: c.1902G>A on transcript NM_001085377.2 (MANE Select); coding-DNA position 1902, G replaced by A.
Protein change: p.Ala634=; no amino-acid change (alanine 634 retained).
Molecular consequence: synonymous variant.
Genome position (GRCh38, 1-based): chr5:113,071,117, C>T on the plus strand (G>A on the coding strand, the complement: MCC is on the minus strand). VCF-style: chr5-113071117-C-T. GRCh37 (hg19) VCF-style: chr5-112406814-C-T.
Other names: c.1332G>A, p.Ala444= (NM_002387.3).
Identifiers: ClinVar variation 778213 (VCV000778213.27), dbSNP rs35555142, ClinGen allele CA3370143.

ClinVar aggregate classification (germline): Benign/Likely benign. Review status: criteria provided, multiple submitters, no conflicts (2 of 4 stars). 2 submissions from 2 submitters: Benign (1); Likely benign (1). Last evaluated 2022-12-01.

Allele frequency attached by ClinVar (database versions not stated): gnomAD 0.00687 and 0.00663; TOPMed 0.00770; ESP Exome Variant Server 0.00831; 1000 Genomes Project 30x 0.00390; 1000 Genomes Project 0.00399; ExAC 0.00453.
gnomAD v4.1: 12,546 of 1,611,082 alleles (0.78%); highest among the groups gnomAD compares: Non-Finnish European, 0.9%; 53 homozygotes.

Submissions (2):

CeGaT Center for Human Genetics Tuebingen
Classification: Likely benign. Last evaluated: 2022-12-01. Review status: criteria provided, single submitter. Criteria: CeGaT Center For Human Genetics Tuebingen Variant Classification Criteria Version 2. Collection method: clinical testing. Allele origin: germline. Affected: yes. Observed: 1 variant allele.
Comment: MCC: BP4, BP7, BS2

Labcorp Genetics (formerly Invitae), Labcorp
Classification: Benign. Last evaluated: 2018-08-08. Review status: criteria provided, single submitter. Criteria: Invitae Variant Classification Sherloc (09022015). Collection method: clinical testing. Allele origin: germline.